The following is an entry in ClinVar:

NM_000512.5(GALNS):c.651_652insG (p.Lys218fs)

Gene: GALNS (galactosamine (N-acetyl)-6-sulfatase; minus strand). Cytogenetic location: 16q24.3.
Variant type: Insertion.
Coding change: c.651_652insG on transcript NM_000512.5 (MANE Select); coding-DNA positions 651 to 652, G inserted.
Protein change: p.Lys218fs; shifts the reading frame from lysine 218.
Molecular consequence: frameshift variant.
Genome position: GRCh38 VCF-style: chr16-88835831-T-TC. GRCh37 (hg19) VCF-style: chr16-88902239-T-TC.
Other names: c.96_97insG, p.Lys33fs (NM_001323543.2); c.669_670insG, p.Lys224fs (NM_001323544.2); short protein forms K218fs, K224fs, K33fs.
Identifiers: ClinVar variation 1048470 (VCV001048470.7), dbSNP rs1468285336, ClinGen allele CA397080715.

ClinVar aggregate classification (germline): Pathogenic/Likely pathogenic. Review status: criteria provided, multiple submitters, no conflicts (2 of 4 stars). 3 submissions from 3 submitters: Pathogenic (2); Likely pathogenic (1). Last evaluated 2024-01-05.

Conditions:
Mucopolysaccharidosis, MPS-IV-A (MPS4A). Also called: Mucopolysaccharidosis type IV A; Mucopolysaccharidosis Type IVA; Morquio syndrome A, mild; MORQUIO SYNDROME A; MPS IVA; mucopolysaccharidosis type 4A. Identifiers: Orphanet 309297, Orphanet 582, MedGen C0086651, MONDO:0009659, OMIM 253000.

Allele frequency attached by ClinVar (database versions not stated): TOPMed below 0.00001; gnomAD exomes 0.00002; ESP Exome Variant Server 0.00008.

Submissions (3):

Fulgent Genetics
Classification: Likely pathogenic for Mucopolysaccharidosis, MPS-IV-A. Last evaluated: 2024-01-05. Review status: criteria provided, single submitter. Criteria: ACMG Guidelines, 2015. Collection method: clinical testing. Allele origin: germline.

Labcorp Genetics (formerly Invitae), Labcorp
Classification: Pathogenic for Mucopolysaccharidosis, MPS-IV-A. Last evaluated: 2023-11-17. Review status: criteria provided, single submitter. Criteria: Invitae Variant Classification Sherloc (09022015). Collection method: clinical testing. Allele origin: germline.
Comment: This sequence change creates a premature translational stop signal (p.Lys218Glufs*45) in the GALNS gene. It is expected to result in an absent or disrupted protein product. Loss-of-function variants in GALNS are known to be pathogenic (PMID: 12442278). This variant is present in population databases (no rsID available, gnomAD 0.003%). This premature translational stop signal has been observed in individual(s) with mucopolysaccharidosis type IVA (PMID: 34387910). ClinVar contains an entry for this variant (Variation ID: 1048470). For these reasons, this variant has been classified as Pathogenic.

Laboratory of Diagnosis and Therapy of Lysosomal Disorders, University of Padova
Classification: Pathogenic for Mucopolysaccharidosis, MPS-IV-A. Last evaluated: 2021-02-01. Review status: criteria provided, single submitter. Criteria: ACMG Guidelines, 2015. Collection method: research. Allele origin: germline. Affected: yes.
Comment: Frameshift variant (PVS1_very strong); the prevalence of the variant in affected individuals is significantly increased compared with the prevalence in controls (PS4_moderate); very low frequency in gnomAD v2.1.1 (PM2_moderate)

Literature cited by the submitters: PubMed 12442278 (cited by Labcorp Genetics (formerly Invitae), Labcorp); PubMed 34387910 (cited by Labcorp Genetics (formerly Invitae), Labcorp and Laboratory of Diagnosis and Therapy of Lysosomal Disorders, University of Padova).